The following is an entry in ClinVar:

NM_057175.5(NAA15):c.1278del (p.Ala427fs)

Gene: NAA15 (N-alpha-acetyltransferase 15, NatA auxiliary subunit; plus strand). Cytogenetic location: 4q31.1.
Variant type: Deletion.
Coding change: c.1278del on transcript NM_057175.5 (MANE Select); coding-DNA position 1278, one base deleted (A; older notation c.1278delA).
Protein change: p.Ala427fs; shifts the reading frame from alanine 427.
Molecular consequence: frameshift variant.
Genome position (GRCh38, 1-based): chr4:139,359,763, A deleted; the last of 2 consecutive A bases (chr4:139,359,762-139,359,763); deleting either gives the same sequence. VCF-style (leftmost placement, unchanged base first): chr4-139359761-GA-G. GRCh37 (hg19) VCF-style: chr4-140280915-GA-G.
Other names: c.1278del, p.Ala427fs (NM_001410842.1); short protein forms A427fs.
Identifiers: ClinVar variation 4526495 (VCV004526495.1).

ClinVar aggregate classification (germline): Likely pathogenic (1 of 4 stars; one submission).

Conditions:
Intellectual developmental disorder, autosomal dominant 50, with behavioral abnormalities. Also called: MENTAL RETARDATION, AUTOSOMAL DOMINANT 50; Intellectual disability, autosomal dominant 50. Identifiers: MedGen C4540470, MONDO:0030916, OMIM 617787.

Submission:

MVZ Medizinische Genetik Mainz
Classification: Likely pathogenic for Intellectual developmental disorder, autosomal dominant 50, with behavioral abnormalities. Last evaluated: 2025-09-03. Review status: criteria provided, single submitter. Criteria: UK Practice Guidelines For Variant Classification V4 01 2020. Collection method: clinical testing. Allele origin: germline. Inheritance: Autosomal dominant inheritance. Affected: yes. Observed: 1 variant allele.
Comment: ACMG Criteria: PVS1,PM2_SUP